The following is an entry in ClinVar:

NM_178172.6(GPIHBP1):c.230G>A (p.Cys77Tyr)

Gene: GPIHBP1 (glycosylphosphatidylinositol anchored high density lipoprotein binding protein 1; plus strand). Cytogenetic location: 8q24.3.
Variant type: single nucleotide variant.
Coding change: c.230G>A on transcript NM_178172.6 (MANE Select); coding-DNA position 230, G replaced by A.
Protein change: p.Cys77Tyr; replaces cysteine 77 with tyrosine.
Molecular consequence: missense variant.
Genome position (GRCh38, 1-based): chr8:143,215,061, G>A. VCF-style: chr8-143215061-G-A. GRCh37 (hg19) VCF-style: chr8-144296936-G-A.
Other names: c.230G>A (NM_178172.5); c.230G>A, p.Cys77Tyr (NM_001301772.2); short protein forms C77Y.
Identifiers: ClinVar variation 917845 (VCV000917845.3), dbSNP rs780340378, ClinGen allele CA4907055.

ClinVar aggregate classification (germline): Likely pathogenic. Review status: criteria provided, single submitter (1 of 4 stars). 2 submissions from 2 submitters: Likely pathogenic (1). 1 of the submissions does not count toward it. Last evaluated 2025-09-16.

Conditions:
GPIHBP1-related disorder. Also called: GPIHBP1-related condition.
Hyperlipoproteinemia, type 1D. Also called: Hyperlipoproteinemia, type ID. Identifiers: Orphanet 444490, Orphanet 535458, MedGen C4014767, MONDO:0014412, OMIM 615947.

Allele frequency attached by ClinVar (database versions not stated): gnomAD exomes below 0.00001 and 0.00001; ExAC 0.00001.

Submissions (2):

PreventionGenetics, part of Exact Sciences
Classification: Likely pathogenic for GPIHBP1-related condition. Last evaluated: 2025-09-16. Review status: criteria provided, single submitter. Criteria: ACMG Guidelines, 2015. Collection method: clinical testing. Allele origin: germline.
Comment: The GPIHBP1 c.230G>A variant is predicted to result in the amino acid substitution p.Cys77Tyr. This variant has been reported in the homozygous state in multiple individuals with dyslipidemia (Sustar et al. 2022. PubMed ID: 36051701; Sustar et al. 2022. (22)00951-0/fulltext; Internal Data, PreventionGenetics). This variant has also been reported in a cohort study with hypertriglyceridemia (Table S2, Deshotels et al. 2022. PubMed ID: 36325899). This variant is reported in 0.0033% of alleles in individuals of South Asian descent in gnomAD. This variant is interpreted as likely pathogenic.

GBinsight Genetic Testing by GB HealthWatch, Genben Lifesciences Corporation
Classification: Likely pathogenic for Hyperlipoproteinemia, type ID. Last evaluated: 2020-05-27. Review status: no assertion criteria provided. Collection method: clinical testing. Allele origin: germline. Inheritance: Autosomal recessive inheritance. Affected: yes. Observed: 1 homozygote. Not counted in ClinVar's aggregate classification.
Comment: Clinical genetic testing identified homozygosity for the Cys77Tyr (NM_178172.6:c.230G>A) genetic variant in the the germline. Phenotype segregated with genotype in family members.